The following is an entry in ClinVar:

ClinVar aggregate classification (germline): Uncertain significance (1 of 4 stars; one submission).

Conditions:
Cardiovascular phenotype. Identifiers: MedGen CN230736.

Submission:

Ambry Genetics
Classification: Uncertain significance for Cardiovascular phenotype. Last evaluated: 2026-07-24. Review status: criteria provided, single submitter. Criteria: Ambry Variant Classification Scheme 2023. Collection method: clinical testing. Allele origin: germline.
Comment: The p.A249V variant (also known as c.746C>T), located in coding exon 1 of the CHST14 gene, results from a C to T substitution at nucleotide position 746. The alanine at codon 249 is replaced by valine, an amino acid with similar properties. This amino acid position is conserved. In addition, this alteration is predicted to be tolerated by in silico analysis. Based on the available evidence, the clinical significance of this variant remains unclear.

NM_130468.4(CHST14):c.746C>T (p.Ala249Val)

Gene: CHST14 (carbohydrate sulfotransferase 14; plus strand). Cytogenetic location: 15q15.1.
Variant type: single nucleotide variant.
Coding change: c.746C>T on transcript NM_130468.4 (MANE Select); coding-DNA position 746, C replaced by T.
Protein change: p.Ala249Val; replaces alanine 249 with valine.
Molecular consequence: missense variant.
Genome position (GRCh38, 1-based): chr15:40,471,959, C>T. VCF-style: chr15-40471959-C-T. GRCh37 (hg19) VCF-style: chr15-40764158-C-T.
Other names: short protein forms A249V.
Identifiers: ClinVar variation 5034594 (VCV005034594.1).